The following is an entry in ClinVar:

NM_024312.5(GNPTAB):c.2825T>C (p.Leu942Pro)

Gene: GNPTAB (N-acetylglucosamine-1-phosphate transferase subunits alpha and beta; minus strand). Cytogenetic location: 12q23.2.
Variant type: single nucleotide variant.
Coding change: c.2825T>C on transcript NM_024312.5 (MANE Select); coding-DNA position 2825, T replaced by C.
Protein change: p.Leu942Pro; replaces leucine 942 with proline.
Molecular consequence: missense variant.
Genome position (GRCh38, 1-based): chr12:101,761,654, A>G on the plus strand (T>C on the coding strand, the complement: GNPTAB is on the minus strand). VCF-style: chr12-101761654-A-G. GRCh37 (hg19) VCF-style: chr12-102155432-A-G.
Other names: short protein forms L942P.
Identifiers: ClinVar variation 1364929 (VCV001364929.8), dbSNP rs2137112862, ClinGen allele CA386296273.

ClinVar aggregate classification (germline): Uncertain significance (1 of 4 stars; one submission).

Conditions:
Pseudo-Hurler polydystrophy. Also called: ML III; ML III ALPHA/BETA; MUCOLIPIDOSIS IIIA; Type III Mucolipidosis; ML IIIA; Mucolipidosis III Alpha/Beta. Identifiers: Orphanet 423461, Orphanet 577, MedGen C0033788, MONDO:0018931, OMIM 252600.
Mucolipidosis type II. Also called: ML II ALPHA/BETA; Mucolipidosis 2; ML 2; Inclusion cell disease; Leroy Disease; N-acetylglucosamine 1phosphotransferase deficiency. Identifiers: Orphanet 576, MedGen C2673377, MONDO:0009650, OMIM 252500.

Submission:

Labcorp Genetics (formerly Invitae), Labcorp
Classification: Uncertain significance for Pseudo-Hurler polydystrophy; Mucolipidosis type II. Last evaluated: 2021-06-30. Review status: criteria provided, single submitter. Criteria: Invitae Variant Classification Sherloc (09022015). Collection method: clinical testing. Allele origin: germline.
Comment: This variant has not been reported in the literature in individuals affected with GNPTAB-related conditions. Advanced modeling of protein sequence and biophysical properties (such as structural, functional, and spatial information, amino acid conservation, physicochemical variation, residue mobility, and thermodynamic stability) performed at Invitae indicates that this missense variant is expected to disrupt GNPTAB protein function. In summary, the available evidence is currently insufficient to determine the role of this variant in disease. Therefore, it has been classified as a Variant of Uncertain Significance. This variant is not present in population databases (ExAC no frequency). This sequence change replaces leucine with proline at codon 942 of the GNPTAB protein (p.Leu942Pro). The leucine residue is highly conserved and there is a moderate physicochemical difference between leucine and proline.